The following is an entry in ClinVar:

NC_000012.12:g.109573681T>A

Genes: MMAB (metabolism of cobalamin associated B; minus strand), MVK (mevalonate kinase; plus strand). Cytogenetic location: 12q24.11.
Variant type: single nucleotide variant.
Genome position: GRCh38 VCF-style: chr12-109573681-T-A. GRCh37 (hg19) VCF-style: chr12-110011486-T-A.
Identifiers: ClinVar variation 1211163 (VCV001211163.18), dbSNP rs66647925, ClinGen allele CA243451970.

ClinVar aggregate classification (germline): Benign/Likely benign. Review status: criteria provided, multiple submitters, no conflicts (2 of 4 stars). 2 submissions from 2 submitters: Benign (1); Likely benign (1). Last evaluated 2025-03-01.

Allele frequency attached by ClinVar (database versions not stated): 1000 Genomes Project 0.00300; 1000 Genomes Project 30x 0.00359; TOPMed 0.00767; gnomAD 0.00812 and 0.00820.
gnomAD v4.1: 6,702 of 667,174 alleles (1%); highest among the groups gnomAD compares: Non-Finnish European, 1.4%; 63 homozygotes.

Submissions (2):

CeGaT Center for Human Genetics Tuebingen
Classification: Benign. Last evaluated: 2025-03-01. Review status: criteria provided, single submitter. Criteria: CeGaT Center For Human Genetics Tuebingen Variant Classification Criteria Version 2. Collection method: clinical testing. Allele origin: germline. Affected: yes. Observed: 3 variant alleles.
Comment: MMAB: BS1, BS2

GeneDx
Classification: Likely benign. Last evaluated: 2018-06-29. Review status: criteria provided, single submitter. Criteria: GeneDx Variant Classification Process June 2021. Collection method: clinical testing. Allele origin: germline. Affected: yes.